The following is an entry in ClinVar:

NM_170682.4(P2RX2):c.220C>G (p.Pro74Ala)

Gene: P2RX2 (purinergic receptor P2X 2; plus strand). Cytogenetic location: 12q24.33.
Variant type: single nucleotide variant.
Coding change: c.220C>G on transcript NM_170682.4 (MANE Select); coding-DNA position 220, C replaced by G.
Protein change: p.Pro74Ala; replaces proline 74 with alanine.
Molecular consequence: missense variant. On other transcripts: intron variant (1).
Genome position (GRCh38, 1-based): chr12:132,619,485, C>G. VCF-style: chr12-132619485-C-G. GRCh37 (hg19) VCF-style: chr12-133196071-C-G.
Other names: c.220C>G, p.Pro74Ala (NM_001282164.2, NM_001282165.2, NM_016318.4 and 2 more transcripts); c.152C>G, p.Pro51Arg (NM_012226.5); c.106-359C>G (NM_174872.3); short protein forms P51R, P74A.
Identifiers: ClinVar variation 5008191 (VCV005008191.1).

ClinVar aggregate classification (germline): Uncertain significance (1 of 4 stars; one submission).

gnomAD v4.1: 3 of 1,612,704 alleles (0.00019%); highest among the groups gnomAD compares: Middle Eastern, 0.033%; no homozygotes.

Submission:

GeneDx
Classification: Uncertain significance. Last evaluated: 2026-03-03. Review status: criteria provided, single submitter. Criteria: GeneDx Variant Classification Process June 2021. Collection method: clinical testing. Allele origin: germline.
Comment: Not observed at significant frequency in large population cohorts (gnomAD); In silico analysis suggests that this missense variant does not alter protein structure/function; Has not been previously published as pathogenic or benign to our knowledge